The following is an entry in ClinVar:

NM_000051.4(ATM):c.3027G>A (p.Glu1009=)

Gene: ATM (ATM serine/threonine kinase; plus strand). Cytogenetic location: 11q22.3.
Variant type: single nucleotide variant.
Coding change: c.3027G>A on transcript NM_000051.4 (MANE Select); coding-DNA position 3027, G replaced by A.
Protein change: p.Glu1009=; no amino-acid change (glutamic acid 1009 retained).
Molecular consequence: synonymous variant.
Genome position (GRCh38, 1-based): chr11:108,271,356, G>A. VCF-style: chr11-108271356-G-A. GRCh37 (hg19) VCF-style: chr11-108142083-G-A.
Other names: c.3027G>A, p.Glu1009= (NM_001351834.2).
Identifiers: ClinVar variation 414590 (VCV000414590.18), dbSNP rs1060504299, ClinGen allele CA16613031.
Genomic context (GRCh38, chr11:108,271,356, plus strand): 5'-TATTTTAAACCATGTCCTTCATGTAGTGAAAAACCTAGGTCAAAGCAATATGGACTCTGA[G>A]AACACAAGGGATGCTCAAGGACAGTTTCTTACAGTAATTGGAGCATTTTGGTAGGTACAG-3'
Protein context (NP_000042.3, residues 999-1019): KNLGQSNMDS[Glu1009=]NTRDAQGQFL

ClinVar aggregate classification (germline): Benign/Likely benign. Review status: criteria provided, multiple submitters, no conflicts (2 of 4 stars). 4 submissions from 4 submitters: Benign (1); Likely benign (3). Last evaluated 2025-07-02.

Conditions:
Hereditary cancer-predisposing syndrome. Also called: Tumor predisposition; Neoplastic Syndromes, Hereditary; Hereditary Cancer Syndrome; Hereditary neoplastic syndrome. Identifiers: Orphanet 140162, MedGen C0027672, MeSH D009386, MONDO:0015356.
Familial cancer of breast. Also called: Hereditary breast cancer; BREAST CANCER, FAMILIAL; hereditary breast carcinoma. Identifiers: Orphanet 227535, MedGen C0346153, MONDO:0016419, OMIM 114480. Disease mechanism: loss of function.
Ataxia-telangiectasia syndrome (AT). Also called: Ataxia-telangiectasia; Cerebello-oculocutaneous telangiectasia; Immunodeficiency with ataxia telangiectasia; ATAXIA-TELANGIECTASIA, COMPLEMENTATION GROUP A; ATAXIA-TELANGIECTASIA, FRESNO VARIANT; Ataxia-telangiectasia, complementation group D. Identifiers: Orphanet 100, MedGen C0004135, MONDO:0008840, OMIM 208900.

Allele frequency attached by ClinVar (database versions not stated): gnomAD exomes below 0.00001; TOPMed below 0.00001.
gnomAD v4.1: 2 of 1,613,922 alleles (0.00012%); highest among the groups gnomAD compares: Non-Finnish European, 0.00017%; no homozygotes.

Submissions (4):

Labcorp Genetics (formerly Invitae), Labcorp
Classification: Likely benign for Ataxia-telangiectasia syndrome. Last evaluated: 2025-07-02. Review status: criteria provided, single submitter. Criteria: Invitae Variant Classification Sherloc (09022015). Collection method: clinical testing. Allele origin: germline.

Myriad Genetics, Inc.
Classification: Benign for Familial cancer of breast. Last evaluated: 2024-05-13. Review status: criteria provided, single submitter. Criteria: Myriad Autosomal Dominant, Autosomal Recessive and X-Linked Classification Criteria (2023). Collection method: clinical testing. Allele origin: unknown.
Comment: This variant is considered benign. This variant is a silent/synonymous amino acid change and it is not expected to impact splicing.

Women's Health and Genetics/Laboratory Corporation of America, LabCorp
Classification: Likely benign. Last evaluated: 2021-06-20. Review status: criteria provided, single submitter. Criteria: LabCorp Variant Classification Summary - May 2015. Collection method: clinical testing. Allele origin: germline.

Ambry Genetics
Classification: Likely benign for Hereditary cancer-predisposing syndrome. Last evaluated: 2016-12-14. Review status: criteria provided, single submitter. Criteria: Ambry Variant Classification Scheme 2023. Collection method: clinical testing. Allele origin: germline.